The following is an entry in ClinVar:

ClinVar aggregate classification (germline): Uncertain significance (1 of 4 stars; one submission).

Conditions:
Developmental and epileptic encephalopathy, 31A. Also called: Epileptic encephalopathy, early infantile, 31; Developmental and epileptic encephalopathy, 31. Identifiers: Orphanet 2382, MedGen C4225357, MONDO:0014598, OMIM 616346.

gnomAD v4.1: 8 of 1,614,058 alleles (0.0005%); highest among the groups gnomAD compares: South Asian, 0.0088%; no homozygotes.

Submission:

Neuberg Centre For Genomic Medicine, NCGM
Classification: Uncertain significance for Developmental and epileptic encephalopathy, 31A. Review status: criteria provided, single submitter. Criteria: ACMG Guidelines, 2015. Collection method: clinical testing. Allele origin: germline. Inheritance: Autosomal dominant inheritance. Affected: yes.
Comment: The observed missense c.3981T>Gp.Asp1327Glu variant in MBD5 gene has not been reported previously as a pathogenic variant nor as a benign variant, to our knowledge. This variant is present with an allele frequency of 0.0004% in gnomAD Exomes database. This variant has not been submitted to the ClinVar database. Computational evidence Polyphen - Benign, SIFT - Damaging and MutationTaster -Disease causing predicts conflicting evidence on protein structure and function for this variant. The reference amino acid in MBD5 is predicted as conserved by GERP++ and PhyloP across 100 vertebrates. The amino acid Asp at position 1327 is changed to a Glu changing protein sequence and it might alter its composition and physico-chemical properties. For these reasons, this variant has been classified as Uncertain Significance VUS.

NM_001378120.1(MBD5):c.3981T>G (p.Asp1327Glu)

Gene: MBD5 (methyl-CpG binding domain protein 5; plus strand). Cytogenetic location: 2q23.1.
Variant type: single nucleotide variant.
Coding change: c.3981T>G on transcript NM_001378120.1 (MANE Select); coding-DNA position 3981, T replaced by G.
Protein change: p.Asp1327Glu; replaces aspartic acid 1327 with glutamic acid.
Molecular consequence: missense variant.
Genome position (GRCh38, 1-based): chr2:148,489,613, T>G. VCF-style: chr2-148489613-T-G. GRCh37 (hg19) VCF-style: chr2-149247182-T-G.
Other names: c.3282T>G, p.Asp1094Glu (NM_018328.5); short protein forms D1094E, D1327E.
Identifiers: ClinVar variation 3391379 (VCV003391379.1).